The following is an entry in ClinVar:

ClinVar aggregate classification (germline): Uncertain significance (1 of 4 stars; one submission).

Submission:

Labcorp Genetics (formerly Invitae), Labcorp
Classification: Uncertain significance. Last evaluated: 2022-07-11. Review status: criteria provided, single submitter. Criteria: Invitae Variant Classification Sherloc (09022015). Collection method: clinical testing. Allele origin: germline.
Comment: In summary, the available evidence is currently insufficient to determine the role of this variant in disease. Therefore, it has been classified as a Variant of Uncertain Significance. Experimental studies and prediction algorithms are not available or were not evaluated, and the functional significance of this variant is currently unknown. This variant has not been reported in the literature in individuals affected with ABL1-related conditions. This variant results in a copy number gain of the genomic region encompassing exon(s) 1 of the ABL1 gene. This region includes the initiator codon of the gene. This copy number gain extends beyond the assayed region for this gene and therefore may encompass additional genes. As the precise location of this event is unknown, it may be in tandem or it may be located elsewhere in the genome.

NC_000009.11:g.(?_133589707)_(133589862_?)dup

Gene: ABL1 (ABL proto-oncogene 1, non-receptor tyrosine kinase; plus strand). Cytogenetic location: 9q34.12.
Variant type: Duplication.
Identifiers: ClinVar variation 2425747 (VCV002425747.4).